The following is an entry in ClinVar:

ClinVar aggregate classification (germline): Uncertain significance. Review status: criteria provided, multiple submitters, no conflicts (2 of 4 stars). 2 submissions from 2 submitters: Uncertain significance (2). Last evaluated 2025-04-15.

Conditions:
Kleefstra syndrome 2 (KLEFS2). Identifiers: MedGen C4540395, MONDO:0054701, OMIM 617768.

gnomAD v4.1: 1 of 1,614,192 alleles (0.000062%); highest among the groups gnomAD compares: Admixed American, 0.0017%; no homozygotes.

Submissions (2):

Dasa
Classification: Uncertain significance. Last evaluated: 2025-04-15. Review status: criteria provided, single submitter. Criteria: DASA Assertion Criteria. Collection method: clinical testing. Allele origin: germline.
Comment: NM_170606.3(KMT2C):c.10873C>T (p.Pro3625Ser) is a missense variant that results in the substitution of proline with serine. This variant is rare in population databases. The currently available literature and clinical evidence are not sufficient to establish a definitive association between this variant and the reported condition. Therefore, this variant is classified as a variant of uncertain significance.

Juno Genomics, Hangzhou Juno Genomics, Inc
Classification: Uncertain significance for Kleefstra syndrome 2. Review status: criteria provided, single submitter. Criteria: ACMG Guidelines, 2015. Collection method: clinical testing. Allele origin: germline.
Comment: Absent from controls (or at extremely low frequency if recessive) in Genome Aggregation Database.;Missense variant in a gene that has a low rate of benign missense variation.

NM_170606.3(KMT2C):c.10873C>T (p.Pro3625Ser)

Gene: KMT2C (lysine methyltransferase 2C; minus strand). Cytogenetic location: 7q36.1.
Variant type: single nucleotide variant.
Coding change: c.10873C>T on transcript NM_170606.3 (MANE Select); coding-DNA position 10873, C replaced by T.
Protein change: p.Pro3625Ser; replaces proline 3625 with serine.
Molecular consequence: missense variant.
Genome position (GRCh38, 1-based): chr7:152,162,704, G>A on the plus strand (C>T on the coding strand, the complement: KMT2C is on the minus strand). VCF-style: chr7-152162704-G-A. GRCh37 (hg19) VCF-style: chr7-151859789-G-A.
Other names: short protein forms P3625S.
Identifiers: ClinVar variation 4884987 (VCV004884987.4).